The following is an entry in ClinVar:

ClinVar aggregate classification (germline): Uncertain significance (1 of 4 stars; one submission).

Conditions:
Bloom syndrome (BLM). Also called: Bloom-Torre-Machacek syndrome. Identifiers: Orphanet 125, MedGen C0005859, MONDO:0008876, OMIM 210900.

Allele frequency attached by ClinVar (database versions not stated): gnomAD 0.00001.
gnomAD v4.1: 1 of 1,613,990 alleles (0.000062%); highest among the groups gnomAD compares: African/African-American, 0.0013%; no homozygotes.

Submission:

Labcorp Genetics (formerly Invitae), Labcorp
Classification: Uncertain significance for Bloom syndrome. Last evaluated: 2021-08-28. Review status: criteria provided, single submitter. Criteria: Invitae Variant Classification Sherloc (09022015). Collection method: clinical testing. Allele origin: germline.
Comment: This sequence change replaces threonine with alanine at codon 1363 of the BLM protein (p.Thr1363Ala). The threonine residue is weakly conserved and there is a small physicochemical difference between threonine and alanine. This variant is not present in population databases (ExAC no frequency). This variant has not been reported in the literature in individuals affected with BLM-related conditions. Algorithms developed to predict the effect of missense changes on protein structure and function output the following: SIFT: "Tolerated"; PolyPhen-2: "Benign"; Align-GVGD: "Class C0". The alanine amino acid residue is found in multiple mammalian species, which suggests that this missense change does not adversely affect protein function. In summary, the available evidence is currently insufficient to determine the role of this variant in disease. Therefore, it has been classified as a Variant of Uncertain Significance.

NM_000057.4(BLM):c.4087A>G (p.Thr1363Ala)

Gene: BLM (BLM RecQ like helicase; plus strand). Cytogenetic location: 15q26.1.
Variant type: single nucleotide variant.
Coding change: c.4087A>G on transcript NM_000057.4 (MANE Select); coding-DNA position 4087, A replaced by G.
Protein change: p.Thr1363Ala; replaces threonine 1363 with alanine.
Molecular consequence: missense variant.
Genome position (GRCh38, 1-based): chr15:90,815,112, A>G. VCF-style: chr15-90815112-A-G. GRCh37 (hg19) VCF-style: chr15-91358342-A-G.
Other names: c.4087A>G, p.Thr1363Ala (NM_001287246.2); c.3694A>G, p.Thr1232Ala (NM_001287247.2); c.2962A>G, p.Thr988Ala (NM_001287248.2); short protein forms T1232A, T1363A, T988A.
Identifiers: ClinVar variation 1003067 (VCV001003067.6), dbSNP rs1897524369, ClinGen allele CA393852056.